The following is an entry in ClinVar:

NM_033453.4(ITPA):c.*123G>A

Gene: ITPA (inosine triphosphatase; plus strand). Cytogenetic location: 20p13.
Variant type: single nucleotide variant.
Coding change: c.*123G>A on transcript NM_033453.4 (MANE Select); 123 bases downstream of the stop codon, G replaced by A.
Molecular consequence: 3 prime UTR variant. On other transcripts: non-coding transcript variant (2), intron variant (1).
Genome position (GRCh38, 1-based): chr20:3,223,585, G>A. VCF-style: chr20-3223585-G-A. GRCh37 (hg19) VCF-style: chr20-3204231-G-A.
Other names: c.*123G>A (NM_001267623.2, NM_181493.4); c.*38G>A (NM_001324236.2, NM_001324237.2, NM_001324238.2 and 1 more transcripts); c.412-3098G>A (NM_001324240.2).
Identifiers: ClinVar variation 1168201 (VCV001168201.11), dbSNP rs13830, ClinGen allele CA15968536.

ClinVar aggregate classification (germline): Benign. Review status: criteria provided, multiple submitters, no conflicts (2 of 4 stars). 3 submissions from 3 submitters: Benign (3). Last evaluated 2025-11-24.

Conditions:
Inosine triphosphatase deficiency. Also called: INOSINE TRIPHOSPHATE PYROPHOSPHOHYDROLASE DEFICIENCY. Identifiers: MedGen C0342800, MONDO:0013461, OMIM 613850.

Allele frequency attached by ClinVar (database versions not stated): TOPMed 0.05971; 1000 Genomes Project 30x 0.08651; 1000 Genomes Project 0.08886.
gnomAD v4.1: 54,346 of 751,960 alleles (7.2%); highest among the groups gnomAD compares: East Asian, 15%; 2,385 homozygotes.

Submissions (3):

Labcorp Genetics (formerly Invitae), Labcorp
Classification: Benign for Inosine triphosphatase deficiency. Last evaluated: 2025-11-24. Review status: criteria provided, single submitter. Criteria: Invitae Variant Classification Sherloc (09022015). Collection method: clinical testing. Allele origin: germline.

GeneDx
Classification: Benign. Last evaluated: 2021-05-12. Review status: criteria provided, single submitter. Criteria: GeneDx Variant Classification Process June 2021. Collection method: clinical testing. Allele origin: germline. Affected: yes.
Comment: This variant is associated with the following publications: (PMID: 27081565)

Breakthrough Genomics
Classification: Benign. Review status: criteria provided, single submitter. Criteria: ACMG Guidelines, 2015. Collection method: not provided. Allele origin: germline. Inheritance: Autosomal recessive inheritance. Affected: yes.